The following is an entry in ClinVar:

ClinVar aggregate classification (germline): Uncertain significance (1 of 4 stars; one submission).

Submission:

CeGaT Center for Human Genetics Tuebingen
Classification: Uncertain significance. Last evaluated: 2025-11-01. Review status: criteria provided, single submitter. Criteria: CeGaT Center For Human Genetics Tuebingen Variant Classification Criteria Version 2. Collection method: clinical testing. Allele origin: germline. Affected: yes. Observed: 1 variant allele.
Comment: ZFHX3: PM2, BP4

NM_006885.4(ZFHX3):c.10489C>T (p.Leu3497=)

Genes: ZFHX3 (zinc finger homeobox 3; minus strand), ZFHX3-AS1 (ZFHX3 antisense RNA 1; plus strand). Cytogenetic location: 16q22.2.
Variant type: single nucleotide variant.
Coding change: c.10489C>T on transcript NM_006885.4 (MANE Select); coding-DNA position 10489, C replaced by T.
Protein change: p.Leu3497=; no amino-acid change (leucine 3497 retained).
Molecular consequence: synonymous variant.
Genome position (GRCh38, 1-based): chr16:72,787,787, G>A on the plus strand (C>T on the coding strand, the complement: ZFHX3 is on the minus strand). VCF-style: chr16-72787787-G-A. GRCh37 (hg19) VCF-style: chr16-72821686-G-A.
Other names: c.7747C>T, p.Leu2583= (NM_001164766.2); c.10489C>T, p.Leu3497= (NM_001386735.1).
Identifiers: ClinVar variation 4535355 (VCV004535355.6).